The following is an entry in ClinVar:

ClinVar aggregate classification (germline): Uncertain significance. Review status: criteria provided, multiple submitters, no conflicts (2 of 4 stars). 2 submissions from 2 submitters: Uncertain significance (2). Last evaluated 2022-05-07.

Conditions:
Hereditary breast ovarian cancer syndrome. Also called: Hereditary breast and ovarian cancer; Breast and ovarian cancer; Hereditary breast and ovarian cancer syndrome; Hereditary breast and/or ovarian cancer syndrome; BRCA1- and BRCA2-Associated Hereditary Breast and Ovarian Cancer; Hereditary breast and ovarian cancer syndrome (HBOC). Identifiers: Orphanet 145, MedGen C0677776, MeSH D061325, MONDO:0003582. Disease mechanism: loss of function.
Hereditary cancer-predisposing syndrome. Also called: Hereditary Cancer Syndrome; Hereditary neoplastic syndrome; Neoplastic Syndromes, Hereditary; Tumor predisposition. Identifiers: Orphanet 140162, MedGen C0027672, MeSH D009386, MONDO:0015356.

Allele frequency attached by ClinVar (database versions not stated): gnomAD exomes below 0.00001.
gnomAD v4.1: 2 of 1,614,124 alleles (0.00012%); highest among the groups gnomAD compares: East Asian, 0.0045%; no homozygotes.

Submissions (2):

Labcorp Genetics (formerly Invitae), Labcorp
Classification: Uncertain significance for Hereditary breast ovarian cancer syndrome. Last evaluated: 2022-05-07. Review status: criteria provided, single submitter. Criteria: Invitae Variant Classification Sherloc (09022015). Collection method: clinical testing. Allele origin: germline.
Comment: Advanced modeling of protein sequence and biophysical properties (such as structural, functional, and spatial information, amino acid conservation, physicochemical variation, residue mobility, and thermodynamic stability) performed at Invitae indicates that this missense variant is not expected to disrupt BRCA2 protein function. In summary, the available evidence is currently insufficient to determine the role of this variant in disease. Therefore, it has been classified as a Variant of Uncertain Significance. This missense change has been observed in individual(s) with breast cancer (PMID: 30287823). This sequence change replaces serine, which is neutral and polar, with alanine, which is neutral and non-polar, at codon 3245 of the BRCA2 protein (p.Ser3245Ala). This variant is not present in population databases (gnomAD no frequency). ClinVar contains an entry for this variant (Variation ID: 441404).

Ambry Genetics
Classification: Uncertain significance for Hereditary cancer-predisposing syndrome. Last evaluated: 2018-02-19. Review status: criteria provided, single submitter. Criteria: Ambry Variant Classification Scheme 2023. Collection method: clinical testing. Allele origin: germline.
Comment: The p.S3245A variant (also known as c.9733T>G), located in coding exon 26 of the BRCA2 gene, results from a T to G substitution at nucleotide position 9733. The serine at codon 3245 is replaced by alanine, an amino acid with similar properties. This amino acid position is not well conserved in available vertebrate species. In addition, this alteration is predicted to be tolerated by in silico analysis. Since supporting evidence is limited at this time, the clinical significance of this alteration remains unclear.

Literature cited by the submitters: PubMed 30287823 (cited by Labcorp Genetics (formerly Invitae), Labcorp).

NM_000059.4(BRCA2):c.9733T>G (p.Ser3245Ala)

Gene: BRCA2 (BRCA2 DNA repair associated; plus strand). Cytogenetic location: 13q13.1.
Variant type: single nucleotide variant.
Coding change: c.9733T>G on transcript NM_000059.4 (MANE Select); coding-DNA position 9733, T replaced by G.
Protein change: p.Ser3245Ala; replaces serine 3245 with alanine.
Molecular consequence: missense variant.
Genome position (GRCh38, 1-based): chr13:32,398,246, T>G. VCF-style: chr13-32398246-T-G. GRCh37 (hg19) VCF-style: chr13-32972383-T-G.
Other names: short protein forms S3245A.
Identifiers: ClinVar variation 441404 (VCV000441404.14), dbSNP rs1555289934, ClinGen allele CA387765533.